The following is an entry in ClinVar:

ClinVar aggregate classification (germline): Conflicting classifications of pathogenicity. Review status: criteria provided, conflicting classifications (1 of 4 stars). 3 submissions from 3 submitters: Uncertain significance (2); Likely benign (1). Last evaluated 2025-09-01.

Conditions:
Inborn genetic diseases. Identifiers: MedGen C0950123, MeSH D030342.
Early-infantile DEE. Also called: Ohtahara syndrome; Early infantile epileptic encephalopathy; Early infantile epileptic encephalopathy with suppression bursts. Identifiers: Orphanet 1934, MedGen C0393706, MONDO:0800491.

Allele frequency attached by ClinVar (database versions not stated): gnomAD exomes below 0.00001; ExAC 0.00001; gnomAD 0.00002.

Submissions (3):

Ambry Genetics
Classification: Uncertain significance for Inborn genetic diseases. Last evaluated: 2025-09-01. Review status: criteria provided, single submitter. Criteria: Ambry Variant Classification Scheme 2023. Collection method: clinical testing. Allele origin: germline.

Labcorp Genetics (formerly Invitae), Labcorp
Classification: Uncertain significance for Early-infantile DEE. Last evaluated: 2025-04-08. Review status: criteria provided, single submitter. Criteria: Invitae Variant Classification Sherloc (09022015). Collection method: clinical testing. Allele origin: germline.
Comment: This sequence change replaces methionine, which is neutral and non-polar, with valine, which is neutral and non-polar, at codon 1757 of the SPTAN1 protein (p.Met1757Val). This variant is present in population databases (rs141483578, gnomAD 0.0009%). This variant has not been reported in the literature in individuals affected with SPTAN1-related conditions. ClinVar contains an entry for this variant (Variation ID: 1492717). Invitae Evidence Modeling of protein sequence and biophysical properties (such as structural, functional, and spatial information, amino acid conservation, physicochemical variation, residue mobility, and thermodynamic stability) has been performed for this missense variant. However, the output from this modeling did not meet the statistical confidence thresholds required to predict the impact of this variant on SPTAN1 protein function. In summary, the available evidence is currently insufficient to determine the role of this variant in disease. Therefore, it has been classified as a Variant of Uncertain Significance.

Women's Health and Genetics/Laboratory Corporation of America, LabCorp
Classification: Likely benign. Last evaluated: 2025-03-12. Review status: criteria provided, single submitter. Criteria: LabCorp Variant Classification Summary - May 2015. Collection method: clinical testing. Allele origin: germline.
Comment: Variant summary: SPTAN1 c.5269A>G (p.Met1757Val) results in a conservative amino acid change in the encoded protein sequence. Three of five in-silico tools predict a damaging effect of the variant on protein function. The variant allele was found at a frequency of 1.8e-05 in 1607138 control chromosomes, predominantly at a frequency of 2.3e-05 within the Non-Finnish European subpopulation in the gnomAD database. The occurrence in several carriers suggests that the variant is not causal for a dominant, high penetrance, early onset disease phenotype. To our knowledge, no occurrence of c.5269A>G in individuals affected with Epileptic Encephalopathy, Early Infantile, 5 and no experimental evidence demonstrating its impact on protein function have been reported. ClinVar contains an entry for this variant (Variation ID: 1492717). Based on the evidence outlined above, the variant was classified as likely benign.

NM_001130438.3(SPTAN1):c.5269A>G (p.Met1757Val)

Gene: SPTAN1 (spectrin alpha, non-erythrocytic 1; plus strand). Cytogenetic location: 9q34.11.
Variant type: single nucleotide variant.
Coding change: c.5269A>G on transcript NM_001130438.3 (MANE Select); coding-DNA position 5269, A replaced by G.
Protein change: p.Met1757Val; replaces methionine 1757 with valine.
Molecular consequence: missense variant.
Genome position (GRCh38, 1-based): chr9:128,615,752, A>G. VCF-style: chr9-128615752-A-G. GRCh37 (hg19) VCF-style: chr9-131378031-A-G.
Other names: c.5194A>G, p.Met1732Val (NM_001195532.2); c.5269A>G, p.Met1757Val (NM_001363759.2, NM_001375310.1, NM_001375311.2 and 1 more transcripts); c.5209A>G, p.Met1737Val (NM_001363765.2, NM_001375314.2); c.5305A>G, p.Met1769Val (NM_001375312.2, NM_001375318.1); c.5254A>G, p.Met1752Val (NM_003127.4); c.5269A>G (NM_001130438.2); short protein forms M1737V, M1732V, M1757V, M1769V, M1752V.
Identifiers: ClinVar variation 1492717 (VCV001492717.9), dbSNP rs141483578, ClinGen allele CA5265413.